The following is an entry in ClinVar:

ClinVar aggregate classification (germline): Uncertain significance. Review status: criteria provided, multiple submitters, no conflicts (2 of 4 stars). 5 submissions from 5 submitters: Uncertain significance (5). Last evaluated 2025-10-27.

Conditions:
Colorectal cancer. Also called: Colorectal cancer, somatic; Malignant Colorectal Neoplasm. Identifiers: MedGen C0346629, MONDO:0005575, OMIM 114500.
Nonpapillary renal cell carcinoma. Identifiers: Orphanet 422526, MedGen CN074294, MONDO:0007763, OMIM 144700.
Familial spontaneous pneumothorax (PSP). Identifiers: Orphanet 2903, MedGen C1868193, MONDO:0008259, OMIM 173600.
Birt-Hogg-Dube syndrome 1 (BHD1). Also called: FIBROFOLLICULOMAS WITH TRICHODISCOMAS AND ACROCHORDONS. Identifiers: Orphanet 122, MedGen CN375946, MONDO:0800445, OMIM 135150.
Hereditary cancer-predisposing syndrome. Also called: Hereditary neoplastic syndrome; Neoplastic Syndromes, Hereditary; Tumor predisposition; Hereditary Cancer Syndrome. Identifiers: Orphanet 140162, MedGen C0027672, MeSH D009386, MONDO:0015356.
Birt-Hogg-Dube syndrome. Also called: Birt Hogg Dubé syndrome. Identifiers: Orphanet 122, MedGen C0346010, MONDO:0800444.

Allele frequency attached by ClinVar (database versions not stated): gnomAD exomes below 0.00001 and 0.00001; ExAC 0.00001.
gnomAD v4.1: 8 of 1,614,180 alleles (0.0005%); highest among the groups gnomAD compares: African/African-American, 0.004%; no homozygotes.

Submissions (5):

Labcorp Genetics (formerly Invitae), Labcorp
Classification: Uncertain significance for Birt-Hogg-Dube syndrome. Last evaluated: 2025-10-27. Review status: criteria provided, single submitter. Criteria: Invitae Variant Classification Sherloc (09022015). Collection method: clinical testing. Allele origin: germline.
Comment: This sequence change replaces threonine, which is neutral and polar, with methionine, which is neutral and non-polar, at codon 568 of the FLCN protein (p.Thr568Met). This variant is present in population databases (rs781733528, gnomAD 0.0009%). This variant has not been reported in the literature in individuals affected with FLCN-related conditions. ClinVar contains an entry for this variant (Variation ID: 460606). An algorithm developed to predict the effect of missense changes on protein structure and function (PolyPhen-2) suggests that this variant is likely to be tolerated. In summary, the available evidence is currently insufficient to determine the role of this variant in disease. Therefore, it has been classified as a Variant of Uncertain Significance.

Center for Genomic Medicine, Rigshospitalet, Copenhagen University Hospital
Classification: Uncertain significance. Last evaluated: 2025-03-04. Review status: criteria provided, single submitter. Criteria: ACMG Guidelines, 2015. Collection method: clinical testing. Allele origin: germline.

Ambry Genetics
Classification: Uncertain significance for Hereditary cancer-predisposing syndrome. Last evaluated: 2024-05-18. Review status: criteria provided, single submitter. Criteria: Ambry Variant Classification Scheme 2023. Collection method: clinical testing. Allele origin: germline.
Comment: The p.T568M variant (also known as c.1703C>T), located in coding exon 11 of the FLCN gene, results from a C to T substitution at nucleotide position 1703. The threonine at codon 568 is replaced by methionine, an amino acid with similar properties. This amino acid position is not well conserved in available vertebrate species. In addition, the in silico prediction for this alteration is inconclusive. Since supporting evidence is limited at this time, the clinical significance of this alteration remains unclear.

Fulgent Genetics
Classification: Uncertain significance for Colorectal cancer; Birt-Hogg-Dube syndrome 1; Nonpapillary renal cell carcinoma; Familial spontaneous pneumothorax. Last evaluated: 2024-03-08. Review status: criteria provided, single submitter. Criteria: ACMG Guidelines, 2015. Collection method: clinical testing. Allele origin: germline.

Baylor Genetics
Classification: Uncertain significance for Birt-Hogg-Dube syndrome 1. Last evaluated: 2023-07-21. Review status: criteria provided, single submitter. Criteria: ACMG Guidelines, 2015. Collection method: clinical testing. Allele origin: unknown.

NM_144997.7(FLCN):c.1703C>T (p.Thr568Met)

Gene: FLCN (folliculin; minus strand). Cytogenetic location: 17p11.2.
Variant type: single nucleotide variant.
Coding change: c.1703C>T on transcript NM_144997.7 (MANE Select); coding-DNA position 1703, C replaced by T.
Protein change: p.Thr568Met; replaces threonine 568 with methionine.
Molecular consequence: missense variant.
Genome position (GRCh38, 1-based): chr17:17,213,692, G>A on the plus strand (C>T on the coding strand, the complement: FLCN is on the minus strand). VCF-style: chr17-17213692-G-A. GRCh37 (hg19) VCF-style: chr17-17117006-G-A.
Other names: c.1703C>T (LRG_325t1); c.1757C>T, p.Thr586Met (NM_001353229.2); c.1703C>T, p.Thr568Met (NM_001353230.2, NM_001353231.2); short protein forms T568M, T586M.
Identifiers: ClinVar variation 460606 (VCV000460606.15), dbSNP rs781733528, ClinGen allele CA8415914.